The following is an entry in ClinVar:

ClinVar aggregate classification (germline): Uncertain significance (1 of 4 stars; one submission).

Conditions:
Inborn genetic diseases. Identifiers: MedGen C0950123, MeSH D030342.

gnomAD v4.1: 2 of 1,614,138 alleles (0.00012%); highest among the groups gnomAD compares: Non-Finnish European, 0.00017%; no homozygotes.

Submission:

Ambry Genetics
Classification: Uncertain significance for Inborn genetic diseases. Last evaluated: 2024-11-18. Review status: criteria provided, single submitter. Criteria: Ambry Variant Classification Scheme 2023. Collection method: clinical testing. Allele origin: germline.
Comment: The p.P902Q variant (also known as c.2705C>A), located in coding exon 13 of the ASXL1 gene, results from a C to A substitution at nucleotide position 2705. The proline at codon 902 is replaced by glutamine, an amino acid with similar properties. This amino acid position is conserved. In addition, this alteration is predicted to be tolerated by in silico analysis. Based on the available evidence, the clinical significance of this variant remains unclear.

NM_015338.6(ASXL1):c.2705C>A (p.Pro902Gln)

Gene: ASXL1 (ASXL transcriptional regulator 1; plus strand). Cytogenetic location: 20q11.21.
Variant type: single nucleotide variant.
Coding change: c.2705C>A on transcript NM_015338.6 (MANE Select); coding-DNA position 2705, C replaced by A.
Protein change: p.Pro902Gln; replaces proline 902 with glutamine.
Molecular consequence: missense variant.
Genome position (GRCh38, 1-based): chr20:32,435,417, C>A. VCF-style: chr20-32435417-C-A. GRCh37 (hg19) VCF-style: chr20-31023220-C-A.
Other names: c.2522C>A, p.Pro841Gln (NM_001363734.1); short protein forms P841Q, P902Q.
Identifiers: ClinVar variation 3438205 (VCV003438205.1).